The following is an entry in ClinVar:

NM_000051.4(ATM):c.5672C>T (p.Ser1891Leu)

Gene: ATM (ATM serine/threonine kinase; plus strand). Cytogenetic location: 11q22.3.
Variant type: single nucleotide variant.
Coding change: c.5672C>T on transcript NM_000051.4 (MANE Select); coding-DNA position 5672, C replaced by T.
Protein change: p.Ser1891Leu; replaces serine 1891 with leucine.
Molecular consequence: missense variant.
Genome position (GRCh38, 1-based): chr11:108,304,850, C>T. VCF-style: chr11-108304850-C-T. GRCh37 (hg19) VCF-style: chr11-108175577-C-T.
Other names: c.5672C>T, p.Ser1891Leu (NM_001351834.2); c.5672C>T (NM_000051.3); short protein forms S1891L.
Identifiers: ClinVar variation 1483287 (VCV001483287.9), dbSNP rs2135946592, ClinGen allele CA382546607.

ClinVar aggregate classification (germline): Uncertain significance. Review status: criteria provided, multiple submitters, no conflicts (2 of 4 stars). 2 submissions from 2 submitters: Uncertain significance (2). Last evaluated 2025-08-05.

Conditions:
Hereditary cancer-predisposing syndrome. Also called: Hereditary neoplastic syndrome; Tumor predisposition; Neoplastic Syndromes, Hereditary; Hereditary Cancer Syndrome. Identifiers: Orphanet 140162, MedGen C0027672, MeSH D009386, MONDO:0015356.
Ataxia-telangiectasia syndrome (AT). Also called: ATAXIA-TELANGIECTASIA, COMPLEMENTATION GROUP A; ATAXIA-TELANGIECTASIA, FRESNO VARIANT; LOUIS-BAR SYNDROME; Ataxia-telangiectasia; Cerebello-oculocutaneous telangiectasia; Immunodeficiency with ataxia telangiectasia. Identifiers: Orphanet 100, MedGen C0004135, MONDO:0008840, OMIM 208900.

Submissions (2):

Labcorp Genetics (formerly Invitae), Labcorp
Classification: Uncertain significance for Ataxia-telangiectasia syndrome. Last evaluated: 2025-08-05. Review status: criteria provided, single submitter. Criteria: Invitae Variant Classification Sherloc (09022015). Collection method: clinical testing. Allele origin: germline.
Comment: This sequence change replaces serine, which is neutral and polar, with leucine, which is neutral and non-polar, at codon 1891 of the ATM protein (p.Ser1891Leu). This variant is not present in population databases (gnomAD no frequency). This variant has not been reported in the literature in individuals affected with ATM-related conditions. ClinVar contains an entry for this variant (Variation ID: 1483287). An algorithm developed to predict the effect of missense changes on protein structure and function (PolyPhen-2) suggests that this variant is likely to be tolerated. In summary, the available evidence is currently insufficient to determine the role of this variant in disease. Therefore, it has been classified as a Variant of Uncertain Significance.

Ambry Genetics
Classification: Uncertain significance for Hereditary cancer-predisposing syndrome. Last evaluated: 2023-03-24. Review status: criteria provided, single submitter. Criteria: Ambry General Variant Classification Scheme_2022. Collection method: clinical testing. Allele origin: germline.
Comment: The p.S1891L variant (also known as c.5672C>T), located in coding exon 36 of the ATM gene, results from a C to T substitution at nucleotide position 5672. The serine at codon 1891 is replaced by leucine, an amino acid with dissimilar properties. This amino acid position is highly conserved in available vertebrate species. In addition, the in silico prediction for this alteration is inconclusive. Since supporting evidence is limited at this time, the clinical significance of this alteration remains unclear.